The following is an entry in ClinVar:

ClinVar aggregate classification (germline): Uncertain significance. Review status: criteria provided, multiple submitters, no conflicts (2 of 4 stars). 3 submissions from 3 submitters: Uncertain significance (3). Last evaluated 2024-06-01.

Conditions:
Short-rib thoracic dysplasia 7 with or without polydactyly (SRTD7). Also called: Short rib polydactyly syndrome 5; SHORT-RIB THORACIC DYSPLASIA 7 WITH POLYDACTYLY. Identifiers: Orphanet 498497, Orphanet 93271, MedGen C3279792, MONDO:0013569, OMIM 614091.
Cranioectodermal dysplasia 2 (CED2). Identifiers: Orphanet 1515, MedGen C3150874, MONDO:0013323, OMIM 613610.
Inborn genetic diseases. Identifiers: MedGen C0950123, MeSH D030342.

Allele frequency attached by ClinVar (database versions not stated): gnomAD exomes below 0.00001.
gnomAD v4.1: 9 of 1,612,928 alleles (0.00056%); highest among the groups gnomAD compares: Admixed American, 0.0017%; no homozygotes.

Submissions (3):

Fulgent Genetics
Classification: Uncertain significance for Cranioectodermal dysplasia 2; Short-rib thoracic dysplasia 7 with or without polydactyly. Last evaluated: 2024-06-01. Review status: criteria provided, single submitter. Criteria: ACMG Guidelines, 2015. Collection method: clinical testing. Allele origin: germline.

Ambry Genetics
Classification: Uncertain significance for Inborn genetic diseases. Last evaluated: 2024-01-03. Review status: criteria provided, single submitter. Criteria: Ambry Variant Classification Scheme 2023. Collection method: clinical testing. Allele origin: germline.

Labcorp Genetics (formerly Invitae), Labcorp
Classification: Uncertain significance for Cranioectodermal dysplasia 2; Short-rib thoracic dysplasia 7 with or without polydactyly. Last evaluated: 2021-08-30. Review status: criteria provided, single submitter. Criteria: Invitae Variant Classification Sherloc (09022015). Collection method: clinical testing. Allele origin: germline.
Comment: This sequence change replaces arginine with cysteine at codon 521 of the WDR35 protein (p.Arg521Cys). The arginine residue is highly conserved and there is a large physicochemical difference between arginine and cysteine. This variant is not present in population databases (ExAC no frequency). This variant has not been reported in the literature in individuals affected with WDR35-related conditions. Algorithms developed to predict the effect of missense changes on protein structure and function (SIFT, PolyPhen-2, Align-GVGD) all suggest that this variant is likely to be disruptive. In summary, the available evidence is currently insufficient to determine the role of this variant in disease. Therefore, it has been classified as a Variant of Uncertain Significance.

NM_020779.4(WDR35):c.1528C>T (p.Arg510Cys)

Gene: WDR35 (WD repeat domain 35; minus strand). Cytogenetic location: 2p24.1.
Variant type: single nucleotide variant.
Coding change: c.1528C>T on transcript NM_020779.4 (MANE Select); coding-DNA position 1528, C replaced by T.
Protein change: p.Arg510Cys; replaces arginine 510 with cysteine.
Molecular consequence: missense variant.
Genome position (GRCh38, 1-based): chr2:19,946,567, G>A on the plus strand (C>T on the coding strand, the complement: WDR35 is on the minus strand). VCF-style: chr2-19946567-G-A. GRCh37 (hg19) VCF-style: chr2-20146328-G-A.
Other names: c.1561C>T, p.Arg521Cys (NM_001006657.2); c.1561C>T (NM_001006657.1); short protein forms R510C, R521C.
Identifiers: ClinVar variation 1060917 (VCV001060917.8), dbSNP rs1462353387, ClinGen allele CA345945138.